The following is an entry in ClinVar:

ClinVar aggregate classification (germline): Likely benign (1 of 4 stars; one submission).

Allele frequency attached by ClinVar (database versions not stated): gnomAD exomes 0.00002; gnomAD 0.00008; ExAC 0.00009; ESP Exome Variant Server 0.00009.
gnomAD v4.1: 29 of 1,136,433 alleles (0.0026%); highest among the groups gnomAD compares: East Asian, 0.0032%; no homozygotes.

Submission:

CeGaT Center for Human Genetics Tuebingen
Classification: Likely benign. Last evaluated: 2022-11-01. Review status: criteria provided, single submitter. Criteria: CeGaT Center For Human Genetics Tuebingen Variant Classification Criteria Version 2. Collection method: clinical testing. Allele origin: germline. Affected: yes. Observed: 1 variant allele.
Comment: STS: BP4, BP7

NM_001320752.2(STS):c.822G>A (p.Pro274=)

Gene: STS (steroid sulfatase; plus strand). Cytogenetic location: Xp22.31.
Variant type: single nucleotide variant.
Coding change: c.822G>A on transcript NM_001320752.2 (MANE Select); coding-DNA position 822, G replaced by A.
Protein change: p.Pro274=; no amino-acid change (proline 274 retained).
Molecular consequence: synonymous variant.
Genome position (GRCh38, 1-based): chrX:7,275,966, G>A. VCF-style: chrX-7275966-G-A. GRCh37 (hg19) VCF-style: chrX-7194007-G-A.
Other names: c.822G>A, p.Pro274= (NM_000351.7, NM_001320753.2, NM_001320754.2); c.858G>A, p.Pro286= (NM_001320750.3, NM_001320751.2).
Identifiers: ClinVar variation 2659917 (VCV002659917.24), dbSNP rs376166767, ClinGen allele CA10342050.